The following is an entry in ClinVar:

NM_022552.5(DNMT3A):c.1232T>A (p.Leu411Gln)

Gene: DNMT3A (DNA methyltransferase 3 alpha; minus strand). Cytogenetic location: 2p23.3.
Variant type: single nucleotide variant.
Coding change: c.1232T>A on transcript NM_022552.5 (MANE Select); coding-DNA position 1232, T replaced by A.
Protein change: p.Leu411Gln; replaces leucine 411 with glutamine.
Molecular consequence: missense variant. On other transcripts: non-coding transcript variant (1).
Genome position (GRCh38, 1-based): chr2:25,246,667, A>T on the plus strand (T>A on the coding strand, the complement: DNMT3A is on the minus strand). VCF-style: chr2-25246667-A-T. GRCh37 (hg19) VCF-style: chr2-25469536-A-T.
Other names: c.776T>A, p.Leu259Gln (NM_001320893.1); c.563T>A, p.Leu188Gln (NM_001375819.1); c.665T>A, p.Leu222Gln (NM_153759.3); c.1232T>A, p.Leu411Gln (NM_175629.2); c.1232T>A (NM_022552.3); short protein forms L188Q, L222Q, L259Q, L411Q.
Identifiers: ClinVar variation 3355900 (VCV003355900.2).

ClinVar aggregate classification (germline): Uncertain significance. Review status: criteria provided, single submitter (1 of 4 stars). 2 submissions from 2 submitters: Uncertain significance (1). 1 of the submissions does not count toward it. Last evaluated 2024-12-06.

Conditions:
Inborn genetic diseases. Identifiers: MedGen C0950123, MeSH D030342.
DNMT3A-related disorder. Also called: DNMT3A-related disorders; DNMT3A-related condition.

gnomAD v4.1: 1 of 1,613,538 alleles (0.000062%); highest among the groups gnomAD compares: Non-Finnish European, 0.000085%; no homozygotes.

Submissions (2):

Ambry Genetics
Classification: Uncertain significance for Inborn genetic diseases. Last evaluated: 2024-12-06. Review status: criteria provided, single submitter. Criteria: Ambry Variant Classification Scheme 2023. Collection method: clinical testing. Allele origin: germline.
Comment: The p.L411Q variant (also known as c.1232T>A), located in coding exon 9 of the DNMT3A gene, results from a T to A substitution at nucleotide position 1232. The leucine at codon 411 is replaced by glutamine, an amino acid with dissimilar properties. This amino acid position is conserved. In addition, this alteration is predicted to be deleterious by in silico analysis. Based on the available evidence, the clinical significance of this variant remains unclear.

PreventionGenetics, part of Exact Sciences
Classification: Uncertain significance for DNMT3A-related condition. Last evaluated: 2024-09-27. Review status: no assertion criteria provided. Collection method: clinical testing. Allele origin: germline. Not counted in ClinVar's aggregate classification.
Comment: The DNMT3A c.1232T>A variant is predicted to result in the amino acid substitution p.Leu411Gln. To our knowledge, this variant has not been reported in the literature or in a large population database, indicating this variant is rare. At this time, the clinical significance of this variant is uncertain due to the absence of conclusive functional and genetic evidence.